The following is an entry in ClinVar:

NM_002185.5(IL7R):c.1048C>T (p.Pro350Ser)

Gene: IL7R (interleukin 7 receptor; plus strand). Cytogenetic location: 5p13.2.
Variant type: single nucleotide variant.
Coding change: c.1048C>T on transcript NM_002185.5 (MANE Select); coding-DNA position 1048, C replaced by T.
Protein change: p.Pro350Ser; replaces proline 350 with serine.
Molecular consequence: missense variant. On other transcripts: non-coding transcript variant (1).
Genome position (GRCh38, 1-based): chr5:35,876,154, C>T. VCF-style: chr5-35876154-C-T. GRCh37 (hg19) VCF-style: chr5-35876256-C-T.
Other names: short protein forms P350S.
Identifiers: ClinVar variation 933529 (VCV000933529.6), dbSNP rs111803690, ClinGen allele CA3232191.

ClinVar aggregate classification (germline): Uncertain significance (1 of 4 stars; one submission).

Conditions:
Immunodeficiency 104. Also called: IMMUNODEFICIENCY 104, SEVERE COMBINED; Severe combined immunodeficiency, autosomal recessive, T cell-negative, B cell-positive, NK cell-positive; SCID, AUTOSOMAL RECESSIVE, T CELL-NEGATIVE, B CELL-POSITIVE, NK CELL-POSITIVE; Severe Combined Immune Deficiency, Autosomal Recessive, TCell -Negative, B Cell-Positive, NK Cell-Positive, IL7R-Related. Identifiers: MedGen C5676890, MONDO:0012163, OMIM 608971.

Allele frequency attached by ClinVar (database versions not stated): gnomAD exomes 0.00003; ExAC 0.00004; gnomAD 0.00004 and 0.00006; TOPMed 0.00004; ESP Exome Variant Server 0.00015; 1000 Genomes Project 30x 0.00031; 1000 Genomes Project 0.00040.

Submission:

Labcorp Genetics (formerly Invitae), Labcorp
Classification: Uncertain significance for Immunodeficiency 104. Last evaluated: 2023-12-11. Review status: criteria provided, single submitter. Criteria: Invitae Variant Classification Sherloc (09022015). Collection method: clinical testing. Allele origin: germline.
Comment: This sequence change replaces proline, which is neutral and non-polar, with serine, which is neutral and polar, at codon 350 of the IL7R protein (p.Pro350Ser). This variant is present in population databases (rs111803690, gnomAD 0.02%). This variant has not been reported in the literature in individuals affected with IL7R-related conditions. ClinVar contains an entry for this variant (Variation ID: 933529). Advanced modeling of protein sequence and biophysical properties (such as structural, functional, and spatial information, amino acid conservation, physicochemical variation, residue mobility, and thermodynamic stability) performed at Invitae indicates that this missense variant is not expected to disrupt IL7R protein function with a negative predictive value of 80%. In summary, the available evidence is currently insufficient to determine the role of this variant in disease. Therefore, it has been classified as a Variant of Uncertain Significance.